The following is an entry in ClinVar:

ClinVar aggregate classification (germline): Uncertain significance (1 of 4 stars; one submission).

Conditions:
Noonan syndrome 9 (NS9). Identifiers: Orphanet 648, MedGen C4225282, MONDO:0014691, OMIM 616559.

gnomAD v4.1: 2 of 1,613,454 alleles (0.00012%); highest among the groups gnomAD compares: Non-Finnish European, 0.00017%; no homozygotes.

Submission:

Labcorp Genetics (formerly Invitae), Labcorp
Classification: Uncertain significance for Noonan syndrome 9. Last evaluated: 2025-11-24. Review status: criteria provided, single submitter. Criteria: Invitae Variant Classification Sherloc (09022015). Collection method: clinical testing. Allele origin: germline.
Comment: This sequence change replaces glutamic acid, which is acidic and polar, with glutamine, which is neutral and polar, at codon 760 of the SOS2 protein (p.Glu760Gln). This variant is not present in population databases (gnomAD no frequency). This variant has not been reported in the literature in individuals affected with SOS2-related conditions. Invitae Evidence Modeling of protein sequence and biophysical properties (such as structural, functional, and spatial information, amino acid conservation, physicochemical variation, residue mobility, and thermodynamic stability) has been performed for this missense variant. However, the output from this modeling did not meet the statistical confidence thresholds required to predict the impact of this variant on SOS2 protein function. In summary, the available evidence is currently insufficient to determine the role of this variant in disease. Therefore, it has been classified as a Variant of Uncertain Significance.

NM_006939.4(SOS2):c.2278G>C (p.Glu760Gln)

Gene: SOS2 (SOS Ras/Rho guanine nucleotide exchange factor 2; minus strand). Cytogenetic location: 14q21.3.
Variant type: single nucleotide variant.
Coding change: c.2278G>C on transcript NM_006939.4 (MANE Select); coding-DNA position 2278, G replaced by C.
Protein change: p.Glu760Gln; replaces glutamic acid 760 with glutamine.
Molecular consequence: missense variant.
Genome position (GRCh38, 1-based): chr14:50,150,114, C>G on the plus strand (G>C on the coding strand, the complement: SOS2 is on the minus strand). VCF-style: chr14-50150114-C-G. GRCh37 (hg19) VCF-style: chr14-50616832-C-G.
Other names: c.2179G>C, p.Glu727Gln (NM_001411020.1); short protein forms E760Q, E727Q.
Identifiers: ClinVar variation 4767636 (VCV004767636.1).